The following is an entry in ClinVar:

NM_003647.3(DGKE):c.753_754insTCGA (p.Val252fs)

Gene: DGKE (diacylglycerol kinase epsilon; plus strand). Cytogenetic location: 17q22.
Variant type: Insertion.
Coding change: c.753_754insTCGA on transcript NM_003647.3 (MANE Select); coding-DNA positions 753 to 754, TCGA inserted.
Protein change: p.Val252fs; shifts the reading frame from valine 252.
Molecular consequence: frameshift variant.
Genome position: GRCh38 VCF-style: chr17-56847930-T-TTCGA. GRCh37 (hg19) VCF-style: chr17-54925291-T-TTCGA.
Other names: short protein forms V252fs.
Identifiers: ClinVar variation 4857342 (VCV004857342.1).

ClinVar aggregate classification (germline): Likely pathogenic (1 of 4 stars; one submission).

Conditions:
Immunoglobulin-mediated membranoproliferative glomerulonephritis. Also called: NEPHROTIC SYNDROME, TYPE 7, WITH MEMBRANOPROLIFERATIVE GLOMERULONEPHRITIS; Nephrotic syndrome, type 7. Identifiers: Orphanet 329903, MedGen C3554330, MONDO:0014005, OMIM 615008.

Submission:

Clinical Research Development Center, Iran University of Medical Sciences (IUMS)
Classification: Likely pathogenic for Immunoglobulin-mediated membranoproliferative glomerulonephritis. Last evaluated: 2026-06-28. Review status: criteria provided, single submitter. Criteria: ACMG Guidelines, 2015. Collection method: clinical testing. Allele origin: germline. Inheritance: Autosomal recessive inheritance. Affected: yes. Observed: 1 variant allele, 1 homozygote.
Comment: The c.753_754insTCGA variant in DGKE gene was absent from large population studies (PM2). Furthermore, it is a null variant in a gene where loss of function is a known mechanism of disease; so, it results in an absent or disrupted protein product (PVS1).

Literature cited by the submitters: PubMed 32838746.